The following is an entry in ClinVar:

NM_134261.3(RORA):c.919G>C (p.Glu307Gln)

Genes: RORA (RAR related orphan receptor A; minus strand), RORA-AS1 (RORA antisense RNA 1; plus strand). Cytogenetic location: 15q22.2.
Variant type: single nucleotide variant.
Coding change: c.919G>C on transcript NM_134261.3 (MANE Select); coding-DNA position 919, G replaced by C.
Protein change: p.Glu307Gln; replaces glutamic acid 307 with glutamine.
Molecular consequence: missense variant.
Genome position (GRCh38, 1-based): chr15:60,505,531, C>G on the plus strand (G>C on the coding strand, the complement: RORA is on the minus strand). VCF-style: chr15-60505531-C-G. GRCh37 (hg19) VCF-style: chr15-60797730-C-G.
Other names: c.994G>C, p.Glu332Gln (NM_002943.4); c.1018G>C, p.Glu340Gln (NM_134260.3); c.754G>C, p.Glu252Gln (NM_134262.3); short protein forms E252Q, E307Q, E332Q, E340Q.
Identifiers: ClinVar variation 1709209 (VCV001709209.2), dbSNP rs2065471243, ClinGen allele CA392669382.

ClinVar aggregate classification (germline): Uncertain significance (1 of 4 stars; one submission).

Conditions:
Intellectual developmental disorder with or without epilepsy or cerebellar ataxia. Identifiers: MedGen C4748041, MONDO:0060745, OMIM 618060.

Submission:

MGZ Medical Genetics Center
Classification: Uncertain significance for Intellectual developmental disorder with or without epilepsy or cerebellar ataxia. Last evaluated: 2022-03-17. Review status: criteria provided, single submitter. Criteria: ACMG Guidelines, 2015. Collection method: clinical testing. Allele origin: germline. Affected: yes. Observed: 1 variant allele.
Comment: ACMG criteria applied: PM2_SUP, PP3